The following is an entry in ClinVar:

NM_000642.3(AGL):c.4300A>G (p.Asn1434Asp)

Gene: AGL (amylo-alpha-1,6-glucosidase and 4-alpha-glucanotransferase; plus strand). Cytogenetic location: 1p21.2.
Variant type: single nucleotide variant.
Coding change: c.4300A>G on transcript NM_000642.3 (MANE Select); coding-DNA position 4300, A replaced by G.
Protein change: p.Asn1434Asp; replaces asparagine 1434 with aspartic acid.
Molecular consequence: missense variant.
Genome position (GRCh38, 1-based): chr1:99,916,450, A>G. VCF-style: chr1-99916450-A-G. GRCh37 (hg19) VCF-style: chr1-100382006-A-G.
Other names: p.Asn1434Asp; c.4300A>G, p.Asn1434Asp (NM_001425325.1, NM_000028.3, NM_000643.3 and 1 more transcripts); c.4279A>G, p.Asn1427Asp (NM_001425326.1); c.4099A>G, p.Asn1367Asp (NM_001425327.1); c.4096A>G, p.Asn1366Asp (NM_001425328.1); c.3961A>G, p.Asn1321Asp (NM_001425329.1); c.3922A>G, p.Asn1308Asp (NM_001425332.1); c.4252A>G, p.Asn1418Asp (NM_000646.3); short protein forms N1434D, N1418D, N1308D, N1321D, N1366D, N1367D, N1427D.
Identifiers: ClinVar variation 456503 (VCV000456503.10), dbSNP rs146154694, ClinGen allele CA967392.
Genomic context (GRCh38, chr1:99,916,450, plus strand): 5'-AAATTTCAATCATTTTGCAGTGATATGGTTTACTGTGGAATTTATGACAATGCATTAGAC[A>G]ATGACAACTACAATCTTGCTAAAGGTTTCAATTATCACCAAGGACCTGTAAGAATTTCAT-3'
Protein context (NP_000633.2, residues 1424-1444): YCGIYDNALD[Asn1434Asp]DNYNLAKGFN

ClinVar aggregate classification (germline): Uncertain significance. Review status: criteria provided, multiple submitters, no conflicts (2 of 4 stars). 4 submissions from 4 submitters: Uncertain significance (3). 1 of the submissions does not count toward it. Last evaluated 2024-06-26.

Conditions:
Inborn genetic diseases. Identifiers: MedGen C0950123, MeSH D030342.
Glycogen storage disease type III (GSD3). Also called: FORBES DISEASE; Cori disease. Identifiers: Orphanet 366, MedGen C0017922, MONDO:0009291, OMIM 232400.

Allele frequency attached by ClinVar (database versions not stated): ExAC 0.00007; gnomAD exomes 0.00009 and 0.00006; ESP Exome Variant Server 0.00015; gnomAD 0.00005; TOPMed 0.00006.
gnomAD v4.1: 144 of 1,612,668 alleles (0.0089%); highest among the groups gnomAD compares: Non-Finnish European, 0.011%; no homozygotes.

Submissions (4):

Ambry Genetics
Classification: Uncertain significance for Inborn genetic diseases. Last evaluated: 2024-06-26. Review status: criteria provided, single submitter. Criteria: Ambry Variant Classification Scheme 2023. Collection method: clinical testing. Allele origin: germline.

Labcorp Genetics (formerly Invitae), Labcorp
Classification: Uncertain significance for Glycogen storage disease type III. Last evaluated: 2022-06-21. Review status: criteria provided, single submitter. Criteria: Invitae Variant Classification Sherloc (09022015). Collection method: clinical testing. Allele origin: germline.
Comment: This sequence change replaces asparagine, which is neutral and polar, with aspartic acid, which is acidic and polar, at codon 1434 of the AGL protein (p.Asn1434Asp). This variant is present in population databases (rs146154694, gnomAD 0.01%). This variant has not been reported in the literature in individuals affected with AGL-related conditions. ClinVar contains an entry for this variant (Variation ID: 456503). Algorithms developed to predict the effect of missense changes on protein structure and function output the following: SIFT: "Tolerated"; PolyPhen-2: "Benign"; Align-GVGD: "Class C0". The aspartic acid amino acid residue is found in multiple mammalian species, which suggests that this missense change does not adversely affect protein function. In summary, the available evidence is currently insufficient to determine the role of this variant in disease. Therefore, it has been classified as a Variant of Uncertain Significance.

Mayo Clinic Laboratories, Mayo Clinic
Classification: Uncertain significance. Last evaluated: 2022-06-08. Review status: criteria provided, single submitter. Criteria: ACMG Guidelines, 2015. Collection method: clinical testing. Allele origin: germline. Observed: 1 variant allele.
Comment: BP4, PM2

Natera, Inc.
Classification: Uncertain significance for Glycogen storage disease type III. Last evaluated: 2019-10-28. Review status: no assertion criteria provided. Collection method: clinical testing. Allele origin: germline. Not counted in ClinVar's aggregate classification.